The following is an entry in ClinVar:

ClinVar aggregate classification (germline): Uncertain significance. Review status: criteria provided, multiple submitters, no conflicts (2 of 4 stars). 4 submissions from 4 submitters: Uncertain significance (4). Last evaluated 2025-03-04.

Conditions:
Hereditary cancer-predisposing syndrome. Also called: Neoplastic Syndromes, Hereditary; Tumor predisposition; Hereditary neoplastic syndrome; Hereditary Cancer Syndrome. Identifiers: Orphanet 140162, MedGen C0027672, MeSH D009386, MONDO:0015356.
Hereditary nonpolyposis colorectal neoplasms. Identifiers: MedGen C0009405, MeSH D003123.

Submissions (4):

Center for Genomic Medicine, Rigshospitalet, Copenhagen University Hospital
Classification: Uncertain significance. Last evaluated: 2025-03-04. Review status: criteria provided, single submitter. Criteria: ACMG Guidelines, 2015. Collection method: clinical testing. Allele origin: germline.

Labcorp Genetics (formerly Invitae), Labcorp
Classification: Uncertain significance for Hereditary nonpolyposis colorectal neoplasms. Last evaluated: 2024-11-24. Review status: criteria provided, single submitter. Criteria: Invitae Variant Classification Sherloc (09022015). Collection method: clinical testing. Allele origin: germline.
Comment: This sequence change replaces proline, which is neutral and non-polar, with arginine, which is basic and polar, at codon 221 of the PMS2 protein (p.Pro221Arg). This variant is not present in population databases (gnomAD no frequency). This variant has not been reported in the literature in individuals affected with PMS2-related conditions. ClinVar contains an entry for this variant (Variation ID: 628276). Invitae Evidence Modeling incorporating data from in vitro experimental studies (internal data) indicates that this missense variant is not expected to disrupt PMS2 function with a negative predictive value of 95%. In summary, the available evidence is currently insufficient to determine the role of this variant in disease. Therefore, it has been classified as a Variant of Uncertain Significance.

Ambry Genetics
Classification: Uncertain significance for Hereditary cancer-predisposing syndrome. Last evaluated: 2024-03-23. Review status: criteria provided, single submitter. Criteria: Ambry Variant Classification Scheme 2023. Collection method: clinical testing. Allele origin: germline.
Comment: The p.P221R variant (also known as c.662C>G), located in coding exon 6 of the PMS2 gene, results from a C to G substitution at nucleotide position 662. The proline at codon 221 is replaced by arginine, an amino acid with dissimilar properties. This amino acid position is conserved. In addition, this alteration is predicted to be tolerated by in silico analysis. Based on the available evidence, the clinical significance of this alteration remains unclear.

Color Diagnostics, LLC DBA Color Health
Classification: Uncertain significance for Hereditary cancer-predisposing syndrome. Last evaluated: 2023-12-05. Review status: criteria provided, single submitter. Criteria: ACMG Guidelines, 2015. Collection method: clinical testing. Allele origin: germline.
Comment: This missense variant replaces proline with arginine at codon 221 of the PMS2 protein. Computational prediction suggests that this variant may not impact protein structure and function (internally defined REVEL score threshold <= 0.5, PMID: 27666373). To our knowledge, functional studies have not been reported for this variant. This variant has not been reported in individuals affected with PMS2-related disorders in the literature. This variant has not been identified in the general population by the Genome Aggregation Database (gnomAD). The available evidence is insufficient to determine the role of this variant in disease conclusively. Therefore, this variant is classified as a Variant of Uncertain Significance.

NM_000535.7(PMS2):c.662C>G (p.Pro221Arg)

Gene: PMS2 (PMS1 homolog 2, mismatch repair system component; minus strand). Cytogenetic location: 7p22.1.
Variant type: single nucleotide variant.
Coding change: c.662C>G on transcript NM_000535.7 (MANE Select); coding-DNA position 662, C replaced by G.
Protein change: p.Pro221Arg; replaces proline 221 with arginine.
Molecular consequence: missense variant. On other transcripts: 5 prime UTR variant (2), non-coding transcript variant (1), intron variant (1).
Genome position (GRCh38, 1-based): chr7:5,999,151, G>C on the plus strand (C>G on the coding strand, the complement: PMS2 is on the minus strand). VCF-style: chr7-5999151-G-C. GRCh37 (hg19) VCF-style: chr7-6038782-G-C.
Other names: c.257C>G, p.Pro86Arg (NM_001322003.2, NM_001322004.2, NM_001322005.2 and 2 more transcripts); c.662C>G, p.Pro221Arg (NM_001322006.2, NM_001322014.2); c.344C>G, p.Pro115Arg (NM_001322007.2, NM_001322008.2); c.-272C>G (NM_001322011.2, NM_001322012.2); c.353C>G, p.Pro118Arg (NM_001322015.2); c.133-1728C>G (NM_001322013.2); c.662C>G (NM_000535.5); short protein forms P221R, P115R, P86R, P118R.
Identifiers: ClinVar variation 628276 (VCV000628276.21), dbSNP rs878854056, ClinGen allele CA366743896.
Genomic context (GRCh38, chr7:5,999,151, plus strand): 5'-TAACCGGCCATCACTACCTGCTTCTGCCCAAACACAGAGCCGATATTTTCCTTTATGCTG[G>C]GGCTTCCACCTGTGCATACCACAGGCTGTCGTTTTCCTTGTCCAAGCTGATTGGTGCAAC-3'
Protein context (NP_000526.2, residues 211-231): RQPVVCTGGS[Pro221Arg]SIKENIGSVF